The following is an entry in ClinVar:

ClinVar aggregate classification (germline): Uncertain significance (1 of 4 stars; one submission).

Conditions:
Hereditary cancer-predisposing syndrome. Also called: Hereditary Cancer Syndrome; Hereditary neoplastic syndrome; Neoplastic Syndromes, Hereditary; Tumor predisposition. Identifiers: Orphanet 140162, MedGen C0027672, MeSH D009386, MONDO:0015356.

Submission:

Ambry Genetics
Classification: Uncertain significance for Hereditary cancer-predisposing syndrome. Last evaluated: 2022-04-08. Review status: criteria provided, single submitter. Criteria: Ambry Variant Classification Scheme 2023. Collection method: clinical testing. Allele origin: germline.
Comment: The p.K484N variant (also known as c.1452G>C), located in coding exon 6 of the BARD1 gene, results from a G to C substitution at nucleotide position 1452. The lysine at codon 484 is replaced by asparagine, an amino acid with similar properties. This amino acid position is conserved. In addition, this alteration is predicted to be tolerated by in silico analysis. Since supporting evidence is limited at this time, the clinical significance of this alteration remains unclear.

NM_000465.4(BARD1):c.1452G>C (p.Lys484Asn)

Gene: BARD1 (BRCA1 associated RING domain 1; minus strand). Cytogenetic location: 2q35.
Variant type: single nucleotide variant.
Coding change: c.1452G>C on transcript NM_000465.4 (MANE Select); coding-DNA position 1452, G replaced by C.
Protein change: p.Lys484Asn; replaces lysine 484 with asparagine.
Molecular consequence: missense variant. On other transcripts: intron variant (3), non-coding transcript variant (3).
Genome position (GRCh38, 1-based): chr2:214,767,598, C>G on the plus strand (G>C on the coding strand, the complement: BARD1 is on the minus strand). VCF-style: chr2-214767598-C-G. GRCh37 (hg19) VCF-style: chr2-215632322-C-G.
Other names: c.216-15043G>C (NM_001282545.2); c.364+24699G>C (NM_001282549.2); c.1395G>C, p.Lys465Asn (NM_001282543.2); c.159-15043G>C (NM_001282548.2); short protein forms K465N, K484N.
Identifiers: ClinVar variation 1772989 (VCV001772989.2), dbSNP rs201841770, ClinGen allele CA350448513.